The following is an entry in ClinVar:

NM_001384474.1(LOXHD1):c.1228C>T (p.Gln410Ter)

Gene: LOXHD1 (lipoxygenase homology PLAT domains 1; minus strand). Cytogenetic location: 18q21.1.
Variant type: single nucleotide variant.
Coding change: c.1228C>T on transcript NM_001384474.1 (MANE Select); coding-DNA position 1228, C replaced by T.
Protein change: p.Gln410Ter; replaces glutamine 410 with a stop codon.
Molecular consequence: nonsense.
Genome position (GRCh38, 1-based): chr18:46,594,373, G>A on the plus strand (C>T on the coding strand, the complement: LOXHD1 is on the minus strand). VCF-style: chr18-46594373-G-A. GRCh37 (hg19) VCF-style: chr18-44174336-G-A.
Other names: c.1228C>T, p.Gln410Ter (NM_144612.7); short protein forms Q410*.
Identifiers: ClinVar variation 1323244 (VCV001323244.8), dbSNP rs777587826, ClinGen allele CA299804253.

ClinVar aggregate classification (germline): Pathogenic. Review status: criteria provided, multiple submitters, no conflicts (2 of 4 stars). 2 submissions from 2 submitters: Pathogenic (2). Last evaluated 2023-02-17.

Conditions:
Autosomal recessive nonsyndromic hearing loss 77. Identifiers: Orphanet 90636, MedGen C2746083, MONDO:0013119, OMIM 613079.

Allele frequency attached by ClinVar (database versions not stated): gnomAD exomes below 0.00001.
gnomAD v4.1: 2 of 1,551,648 alleles (0.00013%); highest among the groups gnomAD compares: South Asian, 0.0012%; no homozygotes.

Submissions (2):

Labcorp Genetics (formerly Invitae), Labcorp
Classification: Pathogenic. Last evaluated: 2023-02-17. Review status: criteria provided, single submitter. Criteria: Invitae Variant Classification Sherloc (09022015). Collection method: clinical testing. Allele origin: germline.
Comment: This variant has not been reported in the literature in individuals affected with LOXHD1-related conditions. This sequence change creates a premature translational stop signal (p.Gln410*) in the LOXHD1 gene. It is expected to result in an absent or disrupted protein product. Loss-of-function variants in LOXHD1 are known to be pathogenic (PMID: 19732867, 21465660, 25792669). This variant is not present in population databases (gnomAD no frequency). ClinVar contains an entry for this variant (Variation ID: 1323244). Algorithms developed to predict the effect of sequence changes on RNA splicing suggest that this variant may disrupt the consensus splice site. For these reasons, this variant has been classified as Pathogenic.

Revvity Omics, Revvity
Classification: Pathogenic for Autosomal recessive nonsyndromic hearing loss 77. Last evaluated: 2021-04-15. Review status: criteria provided, single submitter. Criteria: ACMG Guidelines, 2015. Collection method: clinical testing. Allele origin: germline.

Literature cited by the submitters: PubMed 19732867 (cited by Labcorp Genetics (formerly Invitae), Labcorp); PubMed 21465660 (cited by Labcorp Genetics (formerly Invitae), Labcorp); PubMed 25792669 (cited by Labcorp Genetics (formerly Invitae), Labcorp).